The following is an entry in ClinVar:

NM_001365715.1(LRCH3):c.1647G>A (p.Ser549=)

Gene: LRCH3 (leucine rich repeats and calponin homology domain containing 3; plus strand). Cytogenetic location: 3q29.
Variant type: single nucleotide variant.
Coding change: c.1647G>A on transcript NM_001365715.1 (MANE Select); coding-DNA position 1647, G replaced by A.
Protein change: p.Ser549=; no amino-acid change (serine 549 retained).
Molecular consequence: synonymous variant. On other transcripts: non-coding transcript variant (1), intron variant (1).
Genome position (GRCh38, 1-based): chr3:197,858,836, G>A. VCF-style: chr3-197858836-G-A. GRCh37 (hg19) VCF-style: chr3-197585707-G-A.
Other names: c.1647G>A, p.Ser549= (NM_001363887.1, NM_001365716.1, NM_001365718.1 and 1 more transcripts); c.1644+4391G>A (NM_001365717.1).
Identifiers: ClinVar variation 3055746 (VCV003055746.2), dbSNP rs778617574, ClinGen allele CA2788451.

ClinVar aggregate classification (germline): Likely benign (0 of 4 stars; one submission).

Conditions:
LRCH3-related disorder. Also called: LRCH3-related condition.

Allele frequency attached by ClinVar (database versions not stated): ExAC 0.00009; gnomAD 0.00019; TOPMed 0.00023.
gnomAD v4.1: 51 of 1,612,600 alleles (0.0032%); highest among the groups gnomAD compares: African/African-American, 0.053%; no homozygotes.

Submission:

PreventionGenetics, part of Exact Sciences
Classification: Likely benign for LRCH3-related condition. Last evaluated: 2019-04-29. Review status: no assertion criteria provided. Collection method: clinical testing. Allele origin: germline.
Comment: This variant is classified as likely benign based on ACMG/AMP sequence variant interpretation guidelines (Richards et al. 2015 PMID: 25741868, with internal and published modifications).